The following is an entry in ClinVar:

NM_012472.6(DNAAF11):c.1050del (p.Gln351fs)

Gene: DNAAF11 (dynein axonemal assembly factor 11; minus strand). Cytogenetic location: 8q24.22.
Variant type: Deletion.
Coding change: c.1050del on transcript NM_012472.6 (MANE Select); coding-DNA position 1050, one base deleted (T; older notation c.1050delT).
Protein change: p.Gln351fs; shifts the reading frame from glutamine 351.
Molecular consequence: frameshift variant. On other transcripts: non-coding transcript variant (9).
Genome position (GRCh38, 1-based): chr8:132,610,256, A deleted on the plus strand (T on the coding strand, the reverse complement: DNAAF11 is on the minus strand); the first of 3 consecutive A bases (chr8:132,610,256-132,610,258); deleting any one gives the same sequence. VCF-style (leftmost placement, unchanged base first): chr8-132610255-GA-G. GRCh37 (hg19) VCF-style: chr8-133622501-GA-G.
Other names: c.990del, p.Gln331fs (NM_001321961.2); c.804del, p.Gln269fs (NM_001321962.2); c.690del, p.Gln231fs (NM_001321963.2, NM_001321964.2, NM_001321965.2); c.630del, p.Gln211fs (NM_001321966.2); short protein forms Q211fs, Q231fs, Q331fs, Q351fs, Q269fs.
Identifiers: ClinVar variation 540328 (VCV000540328.6), dbSNP rs763900107, ClinGen allele CA658797150.
Genomic context (GRCh38, chr8:132,610,255, plus strand): 5'-TTGTCTGAGATCTTTTAGCAGAACTACTATCGGGTTTCACTTCTGCAGGAAGGACAAGCT[GA>G]AATGGCTGAAAATAAGTAGAAAGAAAGTATCATTGAGAGCAAGGACGTTACATGAGAGGG-3'

ClinVar aggregate classification (germline): Pathogenic (1 of 4 stars; one submission).

Conditions:
Primary ciliary dyskinesia 19. Also called: CILIARY DYSKINESIA, PRIMARY, 19, WITH OR WITHOUT SITUS INVERSUS. Identifiers: Orphanet 244, MedGen C3543826, MONDO:0013979, OMIM 614935.

Submission:

Labcorp Genetics (formerly Invitae), Labcorp
Classification: Pathogenic for Primary ciliary dyskinesia 19. Last evaluated: 2021-07-14. Review status: criteria provided, single submitter. Criteria: Invitae Variant Classification Sherloc (09022015). Collection method: clinical testing. Allele origin: germline.
Comment: This sequence change creates a premature translational stop signal (p.Gln351Serfs*8) in the LRRC6 gene. It is expected to result in an absent or disrupted protein product. This variant is not present in population databases (ExAC no frequency). This variant has not been reported in the literature in individuals with LRRC6-related disease. Loss-of-function variants in LRRC6 are known to be pathogenic (PMID: 23122589). For these reasons, this variant has been classified as Pathogenic.

Literature cited by the submitters: PubMed 23122589.